The following is an entry in ClinVar:

ClinVar aggregate classification (germline): Uncertain significance (1 of 4 stars; one submission).

Conditions:
Parathyroid carcinoma (PRTC). Also called: CDC73-Related Parathyroid Carcinoma; Parathyroid gland carcinoma. Identifiers: Orphanet 143, MedGen C0687150, MONDO:0012004, OMIM 608266, HP:0006780.

Submission:

Labcorp Genetics (formerly Invitae), Labcorp
Classification: Uncertain significance for Parathyroid carcinoma. Last evaluated: 2023-06-15. Review status: criteria provided, single submitter. Criteria: Invitae Variant Classification Sherloc (09022015). Collection method: clinical testing. Allele origin: germline.
Comment: This sequence change replaces alanine, which is neutral and non-polar, with threonine, which is neutral and polar, at codon 207 of the CDC73 protein (p.Ala207Thr). This variant is not present in population databases (gnomAD no frequency). This variant has not been reported in the literature in individuals affected with CDC73-related conditions. ClinVar contains an entry for this variant (Variation ID: 403887). Advanced modeling of protein sequence and biophysical properties (such as structural, functional, and spatial information, amino acid conservation, physicochemical variation, residue mobility, and thermodynamic stability) performed at Invitae indicates that this missense variant is not expected to disrupt CDC73 protein function. In summary, the available evidence is currently insufficient to determine the role of this variant in disease. Therefore, it has been classified as a Variant of Uncertain Significance.

NM_024529.5(CDC73):c.619G>A (p.Ala207Thr)

Gene: CDC73 (cell division cycle 73; plus strand). Cytogenetic location: 1q31.2.
Variant type: single nucleotide variant.
Coding change: c.619G>A on transcript NM_024529.5 (MANE Select); coding-DNA position 619, G replaced by A.
Protein change: p.Ala207Thr; replaces alanine 207 with threonine.
Molecular consequence: missense variant.
Genome position (GRCh38, 1-based): chr1:193,141,956, G>A. VCF-style: chr1-193141956-G-A. GRCh37 (hg19) VCF-style: chr1-193111086-G-A.
Other names: short protein forms A207T.
Identifiers: ClinVar variation 403887 (VCV000403887.10), dbSNP rs1060500016, ClinGen allele CA16609966.